The following is an entry in ClinVar:

NM_000321.3(RB1):c.2339C>A (p.Ser780Ter)

Gene: RB1 (RB transcriptional corepressor 1; plus strand). Cytogenetic location: 13q14.2.
Variant type: single nucleotide variant.
Coding change: c.2339C>A on transcript NM_000321.3 (MANE Select); coding-DNA position 2339, C replaced by A.
Protein change: p.Ser780Ter; replaces serine 780 with a stop codon.
Molecular consequence: nonsense.
Genome position (GRCh38, 1-based): chr13:48,465,218, C>A. VCF-style: chr13-48465218-C-A. GRCh37 (hg19) VCF-style: chr13-49039354-C-A.
Other names: c.2339C>A, p.Ser780Ter (NM_001407165.1); short protein forms S780*.
Identifiers: ClinVar variation 3237087 (VCV003237087.2), dbSNP rs1593539366.

ClinVar aggregate classification (germline): Pathogenic. Review status: criteria provided, multiple submitters, no conflicts (2 of 4 stars). 2 submissions from 2 submitters: Pathogenic (2). Last evaluated 2026-05-29.

Conditions:
Retinoblastoma (RB1). Also called: RETINOBLASTOMA, SOMATIC. Identifiers: Orphanet 790, MedGen C0035335, MeSH D012175, MONDO:0008380, OMIM 180200, HP:0009919. Disease mechanism: loss of function. Inheritance: Both sporadic and heritable forms are tested..

Submissions (2):

Diller/Parad Lab, Dana-Farber/Harvard Cancer Center
Classification: Pathogenic for Retinoblastoma. Last evaluated: 2026-05-29. Review status: criteria provided, single submitter. Criteria: ACMG Guidelines, 2015. Collection method: research. Allele origin: germline. Affected: yes.
Comment: It has been classified as Pathogenic using Richards et al (PMID:25741868) based on the following evidence codes: PM2, PVS1, PP3.

Genetic Diagnostic Laboratory, University of Pennsylvania School of Medicine
Classification: Pathogenic for Retinoblastoma. Last evaluated: 2024-05-20. Review status: criteria provided, single submitter. Criteria: ACMG Guidelines, 2015. Collection method: clinical testing. Allele origin: germline. Affected: yes. Observed: 1 variant allele.
Comment: Case and Pedigree Information: BILATERAL CASES:1, UNILATERAL CASES:0, TOTAL CASES:1, PEDIGREES:1. ACMG Codes Applied:PVS1, PM2